The following is an entry in ClinVar:

NM_001376.5(DYNC1H1):c.1950G>C (p.Trp650Cys)

Gene: DYNC1H1 (dynein cytoplasmic 1 heavy chain 1; plus strand). Cytogenetic location: 14q32.31.
Variant type: single nucleotide variant.
Coding change: c.1950G>C on transcript NM_001376.5 (MANE Select); coding-DNA position 1950, G replaced by C.
Protein change: p.Trp650Cys; replaces tryptophan 650 with cysteine.
Molecular consequence: missense variant.
Genome position (GRCh38, 1-based): chr14:101,986,175, G>C. VCF-style: chr14-101986175-G-C. GRCh37 (hg19) VCF-style: chr14-102452512-G-C.
Other names: short protein forms W650C.
Identifiers: ClinVar variation 4802037 (VCV004802037.1).
Genomic context (GRCh38, chr14:101,986,175, plus strand): 5'-TCAGGCTTGTAAGATGAGTCACGTTCGTGACTTGCCCCCTGTGTCAGGGTCTATCATCTG[G>C]GCTAAACAGATCGACAGGCAGCTGACGGCCTACATGAAGCGGGTGGAAGATGTCCTTGGC-3'
Protein context (NP_001367.2, residues 640-660): DLPPVSGSII[Trp650Cys]AKQIDRQLTA

ClinVar aggregate classification (germline): Uncertain significance (1 of 4 stars; one submission).

Conditions:
Charcot-Marie-Tooth disease axonal type 2O. Also called: CHARCOT-MARIE-TOOTH NEUROPATHY, AXONAL, TYPE 2O; CHARCOT-MARIE-TOOTH DISEASE, AXONAL, AUTOSOMAL DOMINANT, TYPE 2O; Charcot-Marie-Tooth Neuropathy Type 2O; Charcot-Marie-Tooth disease, axonal, type 20. Identifiers: Orphanet 284232, MedGen C3280220, MONDO:0013644, OMIM 614228.

Submission:

Labcorp Genetics (formerly Invitae), Labcorp
Classification: Uncertain significance for Charcot-Marie-Tooth disease axonal type 2O. Last evaluated: 2025-12-03. Review status: criteria provided, single submitter. Criteria: Invitae Variant Classification Sherloc (09022015). Collection method: clinical testing. Allele origin: germline.
Comment: This sequence change replaces tryptophan, which is neutral and slightly polar, with cysteine, which is neutral and slightly polar, at codon 650 of the DYNC1H1 protein (p.Trp650Cys). This variant is not present in population databases (gnomAD no frequency). This variant has not been reported in the literature in individuals affected with DYNC1H1-related conditions. Invitae Evidence Modeling of protein sequence and biophysical properties (such as structural, functional, and spatial information, amino acid conservation, physicochemical variation, residue mobility, and thermodynamic stability) indicates that this missense variant is expected to disrupt DYNC1H1 protein function with a positive predictive value of 95%. In summary, the available evidence is currently insufficient to determine the role of this variant in disease. Therefore, it has been classified as a Variant of Uncertain Significance.